The following is an entry in ClinVar:

ClinVar aggregate classification (germline): Conflicting classifications of pathogenicity. Review status: criteria provided, conflicting classifications (1 of 4 stars). 4 submissions from 4 submitters: Uncertain significance (1); Likely benign (2). 1 of the submissions does not count toward it. Last evaluated 2025-05-15.

Conditions:
Hereditary hemochromatosis (HFE). Identifiers: MedGen C0392514, MONDO:0006507. Disease mechanism: loss of function.
TFR2-related disorder. Also called: TFR2-related condition.
Hemochromatosis type 3 (HFE3). Also called: Hereditary hemochromatosis type 3; TFR2-Related Hemochromatosis; HEMOCHROMATOSIS DUE TO DEFECT IN TRANSFERRIN RECEPTOR 2. Identifiers: Orphanet 225123, MedGen C1858664, MONDO:0011417, OMIM 604250.

Allele frequency attached by ClinVar (database versions not stated): gnomAD exomes 0.00007 and 0.00020; gnomAD 0.00009 and 0.00010; ESP Exome Variant Server 0.00015; ExAC 0.00017; TOPMed 0.00019.
gnomAD v4.1: 121 of 1,613,380 alleles (0.0075%); highest among the groups gnomAD compares: Admixed American, 0.01%; no homozygotes.

Submissions (4):

Labcorp Genetics (formerly Invitae), Labcorp
Classification: Likely benign for Hereditary hemochromatosis. Last evaluated: 2025-05-15. Review status: criteria provided, single submitter. Criteria: Invitae Variant Classification Sherloc (09022015). Collection method: clinical testing. Allele origin: germline.

PreventionGenetics, part of Exact Sciences
Classification: Likely benign for TFR2-related condition. Last evaluated: 2025-02-27. Review status: criteria provided, single submitter. Criteria: ACMG Guidelines, 2015. Collection method: clinical testing. Allele origin: germline.
Comment: This variant is classified as likely benign based on ACMG/AMP sequence variant interpretation guidelines (Richards et al. 2015 PMID: 25741868, with internal and published modifications).

Illumina Laboratory Services, Illumina
Classification: Uncertain significance for Hemochromatosis type 3. Last evaluated: 2018-01-12. Review status: criteria provided, single submitter. Criteria: ICSL Variant Classification Criteria 13 December 2019. Collection method: clinical testing. Allele origin: germline.

Natera, Inc.
Classification: Likely benign for Hereditary hemochromatosis type 3. Last evaluated: 2021-07-02. Review status: no assertion criteria provided. Collection method: clinical testing. Allele origin: germline. Not counted in ClinVar's aggregate classification.

NM_003227.4(TFR2):c.1076T>A (p.Ile359Asn)

Gene: TFR2 (transferrin receptor 2; minus strand). Cytogenetic location: 7q22.1.
Variant type: single nucleotide variant.
Coding change: c.1076T>A on transcript NM_003227.4 (MANE Select); coding-DNA position 1076, T replaced by A.
Protein change: p.Ile359Asn; replaces isoleucine 359 with asparagine.
Molecular consequence: missense variant.
Genome position (GRCh38, 1-based): chr7:100,631,836, A>T on the plus strand (T>A on the coding strand, the complement: TFR2 is on the minus strand). VCF-style: chr7-100631836-A-T. GRCh37 (hg19) VCF-style: chr7-100229459-A-T.
Other names: c.563T>A, p.Ile188Asn (NM_001206855.3); short protein forms I359N, I188N.
Identifiers: ClinVar variation 358293 (VCV000358293.18), dbSNP rs140020076, ClinGen allele CA4386611.